The following is an entry in ClinVar:

NM_005609.4(PYGM):c.727C>T (p.Arg243Cys)

Gene: PYGM (glycogen phosphorylase, muscle associated; minus strand). Cytogenetic location: 11q13.1.
Variant type: single nucleotide variant.
Coding change: c.727C>T on transcript NM_005609.4 (MANE Select); coding-DNA position 727, C replaced by T.
Protein change: p.Arg243Cys; replaces arginine 243 with cysteine.
Molecular consequence: missense variant.
Genome position (GRCh38, 1-based): chr11:64,755,492, G>A on the plus strand (C>T on the coding strand, the complement: PYGM is on the minus strand). VCF-style: chr11-64755492-G-A. GRCh37 (hg19) VCF-style: chr11-64522964-G-A.
Other names: c.727C>T (NM_005609.2); c.463C>T, p.Arg155Cys (NM_001164716.1); short protein forms R155C, R243C.
Identifiers: ClinVar variation 1386319 (VCV001386319.7), dbSNP rs141055359, ClinGen allele CA6080142.
Genomic context (GRCh38, chr11:64,755,492, plus strand): 5'-AGTGGATGAACTCACAGTCCTTGAGGTTGAAGTCATTGGGAGCCTTGGCAGACCAGAGGC[G>A]CATGGTGTTGACAACATTGTTGCGATAGCCAGGCACGGGCGTATCGTAGGGCATGGCCAG-3'
Protein context (NP_005600.1, residues 233-253): GYRNNVVNTM[Arg243Cys]LWSAKAPNDF

ClinVar aggregate classification (germline): Uncertain significance. Review status: criteria provided, multiple submitters, no conflicts (2 of 4 stars). 2 submissions from 2 submitters: Uncertain significance (2). Last evaluated 2024-06-28.

Conditions:
Glycogen storage disease, type V (GSD5). Also called: McArdle type glycogen storage disease; PYGM DEFICIENCY; MCARDLE DISEASE; MUSCLE GLYCOGEN PHOSPHORYLASE DEFICIENCY; MYOPHOSPHORYLASE DEFICIENCY. Identifiers: Orphanet 368, MedGen C0017924, MONDO:0009293, OMIM 232600.

Allele frequency attached by ClinVar (database versions not stated): gnomAD 0.00004; TOPMed 0.00004; gnomAD exomes 0.00007; ExAC 0.00009; ESP Exome Variant Server 0.00015; 1000 Genomes Project 30x 0.00016; 1000 Genomes Project 0.00020.

Submissions (2):

Revvity Omics, Revvity
Classification: Uncertain significance for Glycogen storage disease, type V. Last evaluated: 2024-06-28. Review status: criteria provided, single submitter. Criteria: ACMG Guidelines, 2015. Collection method: clinical testing. Allele origin: germline.

Labcorp Genetics (formerly Invitae), Labcorp
Classification: Uncertain significance for Glycogen storage disease, type V. Last evaluated: 2022-08-08. Review status: criteria provided, single submitter. Criteria: Invitae Variant Classification Sherloc (09022015). Collection method: clinical testing. Allele origin: germline.
Comment: This sequence change replaces arginine, which is basic and polar, with cysteine, which is neutral and slightly polar, at codon 243 of the PYGM protein (p.Arg243Cys). This variant is present in population databases (rs141055359, gnomAD 0.01%). This variant has not been reported in the literature in individuals affected with PYGM-related conditions. ClinVar contains an entry for this variant (Variation ID: 1386319). Algorithms developed to predict the effect of missense changes on protein structure and function are either unavailable or do not agree on the potential impact of this missense change (SIFT: "Not Available"; PolyPhen-2: "Probably Damaging"; Align-GVGD: "Not Available"). In summary, the available evidence is currently insufficient to determine the role of this variant in disease. Therefore, it has been classified as a Variant of Uncertain Significance.